The following is an entry in ClinVar:

NM_001379200.1(TBX1):c.1161C>T (p.Gly387=)

Gene: TBX1 (T-box transcription factor 1; plus strand). Cytogenetic location: 22q11.21.
Variant type: single nucleotide variant.
Coding change: c.1161C>T on transcript NM_001379200.1 (MANE Select); coding-DNA position 1161, C replaced by T.
Protein change: p.Gly387=; no amino-acid change (glycine 387 retained).
Molecular consequence: synonymous variant. On other transcripts: intron variant (2).
Genome position (GRCh38, 1-based): chr22:19,766,513, C>T. VCF-style: chr22-19766513-C-T. GRCh37 (hg19) VCF-style: chr22-19754036-C-T.
Other names: c.1134C>T, p.Gly378= (NM_080647.1); c.1009+511C>T (NM_005992.1, NM_080646.2).
Identifiers: ClinVar variation 526037 (VCV000526037.14), dbSNP rs941116789, ClinGen allele CA322058189.

ClinVar aggregate classification (germline): Conflicting classifications of pathogenicity. Review status: criteria provided, conflicting classifications (1 of 4 stars). 4 submissions from 4 submitters: Uncertain significance (1); Likely benign (3). Last evaluated 2025-06-17.

Conditions:
DiGeorge syndrome. Also called: Catch22; THIRD AND FOURTH PHARYNGEAL POUCH SYNDROME. Identifiers: Orphanet 567, MedGen C0012236, MONDO:0008564, OMIM 188400.
Cardiovascular phenotype. Identifiers: MedGen CN230736.

Allele frequency attached by ClinVar (database versions not stated): gnomAD 0.00003 and 0.00004; TOPMed 0.00006.
gnomAD v4.1: 47 of 1,310,768 alleles (0.0036%); highest among the groups gnomAD compares: Admixed American, 0.012%; no homozygotes.

Submissions (4):

Labcorp Genetics (formerly Invitae), Labcorp
Classification: Likely benign for DiGeorge syndrome. Last evaluated: 2025-06-17. Review status: criteria provided, single submitter. Criteria: Invitae Variant Classification Sherloc (09022015). Collection method: clinical testing. Allele origin: germline.

Blueprint Genetics
Classification: Likely benign. Last evaluated: 2023-11-01. Review status: criteria provided, single submitter. Criteria: ACMG Guidelines, 2015. Collection method: clinical testing. Allele origin: germline.

GeneDx
Classification: Uncertain significance. Last evaluated: 2023-08-16. Review status: criteria provided, single submitter. Criteria: GeneDx Variant Classification Process June 2021. Collection method: clinical testing. Allele origin: germline. Affected: yes.
Comment: Has not been previously published as pathogenic or benign to our knowledge; In silico analysis supports that this variant does not alter splicing

Ambry Genetics
Classification: Likely benign for Cardiovascular phenotype. Last evaluated: 2022-06-22. Review status: criteria provided, single submitter. Criteria: Ambry Variant Classification Scheme 2023. Collection method: clinical testing. Allele origin: germline.